The following is an entry in ClinVar:

NM_000536.4(RAG2):c.638dup (p.Asn213fs)

Gene: RAG2 (recombination activating 2; minus strand). Cytogenetic location: 11p12.
Variant type: Duplication.
Coding change: c.638dup on transcript NM_000536.4 (MANE Select); coding-DNA position 638, one base duplicated (A; older notation c.638dupA).
Protein change: p.Asn213fs; shifts the reading frame from asparagine 213.
Molecular consequence: frameshift variant.
Genome position (GRCh38, 1-based): chr11:36,593,531, T duplicated on the plus strand (A on the coding strand, the reverse complement: RAG2 is on the minus strand); the first of 5 consecutive T bases (chr11:36,593,531-36,593,535); duplicating any one gives the same sequence. VCF-style (leftmost placement, unchanged base first): chr11-36593530-A-AT. GRCh37 (hg19) VCF-style: chr11-36615080-A-AT.
Other names: c.638dup, p.Asn213fs (NM_001243785.2, NM_001243786.2); short protein forms N213fs.
Identifiers: ClinVar variation 934699 (VCV000934699.10), dbSNP rs1851080959, ClinGen allele CA1139661898.

ClinVar aggregate classification (germline): Pathogenic/Likely pathogenic. Review status: criteria provided, multiple submitters, no conflicts (2 of 4 stars). 2 submissions from 2 submitters: Pathogenic (1); Likely pathogenic (1). Last evaluated 2024-05-13.

Conditions:
Histiocytic medullary reticulosis. Also called: Omenn syndrome; SEVERE COMBINED IMMUNODEFICIENCY WITH HYPEREOSINOPHILIA. Identifiers: Orphanet 39041, MedGen C2700553, MONDO:0011338, OMIM 603554.
Severe combined immunodeficiency, autosomal recessive, T cell-negative, B cell-negative, NK cell-positive. Also called: Severe combined immunodeficiency due to complete RAG1/2 deficiency; SCID, T CELL-NEGATIVE, B CELL-NEGATIVE, NK CELL-POSITIVE; SCID, AR, T-cell negative, B-cell negative, NK cell-positive. Identifiers: Orphanet 331206, MedGen C1832322, MONDO:0011086, OMIM 601457.
Combined immunodeficiency with skin granulomas. Identifiers: Orphanet 157949, MedGen C2673536, MONDO:0009306, OMIM 233650.

Submissions (2):

Natera, Inc.
Classification: Likely pathogenic for Omenn syndrome. Last evaluated: 2024-05-13. Review status: criteria provided, single submitter. Criteria: Natera Variant Classification Schema (03/2026). Collection method: clinical testing. Allele origin: germline.
Comment: The c.638dup variant in RAG2 is a frameshift variant predicted to shift the reading frame beginning at codon 213 and leads to a stop codon 2 codons downstream. This variant is expected to result in nonsense mediated decay, truncation, or a dysfunctional protein product. This variant is rare in the general population with a frequency below the threshold expected for the associated phenotype(s). Given the available evidence, this variant is classified as Likely Pathogenic.

Labcorp Genetics (formerly Invitae), Labcorp
Classification: Pathogenic for Combined immunodeficiency with skin granulomas; Severe combined immunodeficiency, autosomal recessive, T cell-negative, B cell-negative, NK cell-positive. Last evaluated: 2019-09-10. Review status: criteria provided, single submitter. Criteria: Invitae Variant Classification Sherloc (09022015). Collection method: clinical testing. Allele origin: germline.
Comment: For these reasons, this variant has been classified as Pathogenic. This variant disrupts the C-terminus of the RAG2 protein. Other variant(s) that disrupt this region (p.Glu480*, p.Ile427Glyfs*12, p.His468Argfs*16, p.Arg523Glufs*49) have been determined to be pathogenic (PMID: 26915675, 26476733, 21624848, 24144642). This suggests that variants that disrupt this region of the protein are likely to be causative of disease. This variant has not been reported in the literature in individuals with RAG2-related conditions. This variant is not present in population databases (ExAC no frequency). This sequence change results in a premature translational stop signal in the RAG2 gene (p.Asn213Lysfs*2). While this is not anticipated to result in nonsense mediated decay, it is expected to disrupt the last 315 amino acids of the RAG2 protein.

Literature cited by the submitters: PubMed 26915675 (cited by Labcorp Genetics (formerly Invitae), Labcorp); PubMed 26476733 (cited by Labcorp Genetics (formerly Invitae), Labcorp); PubMed 21624848 (cited by Labcorp Genetics (formerly Invitae), Labcorp); PubMed 24144642 (cited by Labcorp Genetics (formerly Invitae), Labcorp).